The following is an entry in ClinVar:

ClinVar aggregate classification (germline): Uncertain significance. Review status: criteria provided, multiple submitters, no conflicts (2 of 4 stars). 3 submissions from 3 submitters: Uncertain significance (3). Last evaluated 2025-09-24.

Conditions:
Hereditary cancer-predisposing syndrome. Also called: Hereditary neoplastic syndrome; Neoplastic Syndromes, Hereditary; Tumor predisposition; Hereditary Cancer Syndrome. Identifiers: Orphanet 140162, MedGen C0027672, MeSH D009386, MONDO:0015356.
Endometrial carcinoma. Also called: Endometrial carcinoma, somatic. Identifiers: MedGen C0476089, MONDO:0002447, OMIM 608089, HP:0012114.

Submissions (3):

Labcorp Genetics (formerly Invitae), Labcorp
Classification: Uncertain significance. Last evaluated: 2025-09-24. Review status: criteria provided, single submitter. Criteria: Invitae Variant Classification Sherloc (09022015). Collection method: clinical testing. Allele origin: germline.
Comment: This sequence change replaces serine, which is neutral and polar, with phenylalanine, which is neutral and non-polar, at codon 782 of the MSH3 protein (p.Ser782Phe). This variant is not present in population databases (gnomAD no frequency). This variant has not been reported in the literature in individuals affected with MSH3-related conditions. ClinVar contains an entry for this variant (Variation ID: 1006509). An algorithm developed to predict the effect of missense changes on protein structure and function (PolyPhen-2) suggests that this variant is likely to be disruptive. In summary, the available evidence is currently insufficient to determine the role of this variant in disease. Therefore, it has been classified as a Variant of Uncertain Significance.

Baylor Genetics
Classification: Uncertain significance for Endometrial carcinoma. Last evaluated: 2023-10-18. Review status: criteria provided, single submitter. Criteria: ACMG Guidelines, 2015. Collection method: clinical testing. Allele origin: unknown.

Ambry Genetics
Classification: Uncertain significance for Hereditary cancer-predisposing syndrome. Last evaluated: 2023-07-11. Review status: criteria provided, single submitter. Criteria: Ambry Variant Classification Scheme 2023. Collection method: clinical testing. Allele origin: germline.
Comment: The p.S782F variant (also known as c.2345C>T), located in coding exon 17 of the MSH3 gene, results from a C to T substitution at nucleotide position 2345. The serine at codon 782 is replaced by phenylalanine, an amino acid with highly dissimilar properties. This amino acid position is conserved. In addition, the in silico prediction for this alteration is inconclusive. Since supporting evidence is limited at this time, the clinical significance of this alteration remains unclear.

NM_002439.5(MSH3):c.2345C>T (p.Ser782Phe)

Gene: MSH3 (mutS homolog 3; plus strand). Cytogenetic location: 5q14.1.
Variant type: single nucleotide variant.
Coding change: c.2345C>T on transcript NM_002439.5 (MANE Select); coding-DNA position 2345, C replaced by T.
Protein change: p.Ser782Phe; replaces serine 782 with phenylalanine.
Molecular consequence: missense variant.
Genome position (GRCh38, 1-based): chr5:80,778,746, C>T. VCF-style: chr5-80778746-C-T. GRCh37 (hg19) VCF-style: chr5-80074565-C-T.
Other names: c.2345C>T (NM_002439.3); short protein forms S782F.
Identifiers: ClinVar variation 1006509 (VCV001006509.11), dbSNP rs1744350926, ClinGen allele CA360281755.